The following is an entry in ClinVar:

ClinVar aggregate classification (germline): Uncertain significance. Review status: criteria provided, multiple submitters, no conflicts (2 of 4 stars). 3 submissions from 3 submitters: Uncertain significance (3). Last evaluated 2024-01-02.

Allele frequency attached by ClinVar (database versions not stated): gnomAD exomes 0.00001; gnomAD 0.00011; TOPMed 0.00028.

Submissions (3):

Labcorp Genetics (formerly Invitae), Labcorp
Classification: Uncertain significance. Last evaluated: 2024-01-02. Review status: criteria provided, single submitter. Criteria: Invitae Variant Classification Sherloc (09022015). Collection method: clinical testing. Allele origin: germline.
Comment: This sequence change replaces glycine, which is neutral and non-polar, with aspartic acid, which is acidic and polar, at codon 421 of the KCNV2 protein (p.Gly421Asp). The frequency data for this variant in the population databases is considered unreliable, as metrics indicate poor data quality at this position in the gnomAD database. This variant has not been reported in the literature in individuals affected with KCNV2-related conditions. ClinVar contains an entry for this variant (Variation ID: 595420). Advanced modeling of protein sequence and biophysical properties (such as structural, functional, and spatial information, amino acid conservation, physicochemical variation, residue mobility, and thermodynamic stability) performed at Invitae indicates that this missense variant is expected to disrupt KCNV2 protein function with a positive predictive value of 80%. In summary, the available evidence is currently insufficient to determine the role of this variant in disease. Therefore, it has been classified as a Variant of Uncertain Significance.

Blueprint Genetics
Classification: Uncertain significance. Last evaluated: 2023-08-23. Review status: criteria provided, single submitter. Criteria: ACMG Guidelines, 2015. Collection method: clinical testing. Allele origin: germline.

Eurofins Ntd Llc (ga)
Classification: Uncertain significance. Last evaluated: 2017-12-21. Review status: criteria provided, single submitter. Criteria: EGL Classification Definitions 2015. Collection method: clinical testing. Allele origin: germline. Observed: 1 variant allele, 1 heterozygote.

NM_133497.4(KCNV2):c.1262G>A (p.Gly421Asp)

Gene: KCNV2 (potassium voltage-gated channel modifier subfamily V member 2; plus strand). Cytogenetic location: 9p24.2.
Variant type: single nucleotide variant.
Coding change: c.1262G>A on transcript NM_133497.4 (MANE Select); coding-DNA position 1262, G replaced by A.
Protein change: p.Gly421Asp; replaces glycine 421 with aspartic acid.
Molecular consequence: missense variant.
Genome position (GRCh38, 1-based): chr9:2,719,001, G>A. VCF-style: chr9-2719001-G-A. GRCh37 (hg19) VCF-style: chr9-2719001-G-A.
Other names: short protein forms G421D.
Identifiers: ClinVar variation 595420 (VCV000595420.10), dbSNP rs563513486, ClinGen allele CA187974314.